The following is an entry in ClinVar:

ClinVar aggregate classification (germline): Uncertain significance (1 of 4 stars; one submission).

Allele frequency attached by ClinVar (database versions not stated): gnomAD exomes below 0.00001.
gnomAD v4.1: 1 of 1,614,226 alleles (0.000062%); highest among the groups gnomAD compares: Non-Finnish European, 0.000085%; no homozygotes.

Submission:

Labcorp Genetics (formerly Invitae), Labcorp
Classification: Uncertain significance. Last evaluated: 2020-11-12. Review status: criteria provided, single submitter. Criteria: Invitae Variant Classification Sherloc (09022015). Collection method: clinical testing. Allele origin: germline.
Comment: This sequence change replaces leucine with proline at codon 699 of the TRPM1 protein (p.Leu699Pro). The leucine residue is highly conserved and there is a moderate physicochemical difference between leucine and proline. This variant is not present in population databases (ExAC no frequency). This variant has not been reported in the literature in individuals with TRPM1-related conditions. Algorithms developed to predict the effect of missense changes on protein structure and function (SIFT, PolyPhen-2, Align-GVGD) all suggest that this variant is likely to be disruptive, but these predictions have not been confirmed by published functional studies and their clinical significance is uncertain. In summary, the available evidence is currently insufficient to determine the role of this variant in disease. Therefore, it has been classified as a Variant of Uncertain Significance.

NM_001252024.2(TRPM1):c.2162T>C (p.Leu721Pro)

Gene: TRPM1 (transient receptor potential cation channel subfamily M member 1; minus strand). Cytogenetic location: 15q13.3.
Variant type: single nucleotide variant.
Coding change: c.2162T>C on transcript NM_001252024.2 (MANE Select); coding-DNA position 2162, T replaced by C.
Protein change: p.Leu721Pro; replaces leucine 721 with proline.
Molecular consequence: missense variant.
Genome position (GRCh38, 1-based): chr15:31,040,272, A>G on the plus strand (T>C on the coding strand, the complement: TRPM1 is on the minus strand). VCF-style: chr15-31040272-A-G. GRCh37 (hg19) VCF-style: chr15-31332475-A-G.
Other names: c.2213T>C, p.Leu738Pro (NM_001252020.2); c.2096T>C, p.Leu699Pro (NM_002420.6); short protein forms L738P, L699P, L721P.
Identifiers: ClinVar variation 1346452 (VCV001346452.8), dbSNP rs2140927441, ClinGen allele CA391510438.